The following is an entry in ClinVar:

NM_001009944.3(PKD1):c.3673C>T (p.Gln1225Ter)

Gene: PKD1 (polycystin 1, transient receptor potential channel interacting; minus strand). Cytogenetic location: 16p13.3.
Variant type: single nucleotide variant.
Coding change: c.3673C>T on transcript NM_001009944.3 (MANE Select); coding-DNA position 3673, C replaced by T.
Protein change: p.Gln1225Ter; replaces glutamine 1225 with a stop codon.
Molecular consequence: nonsense.
Genome position (GRCh38, 1-based): chr16:2,111,494, G>A on the plus strand (C>T on the coding strand, the complement: PKD1 is on the minus strand). VCF-style: chr16-2111494-G-A. GRCh37 (hg19) VCF-style: chr16-2161495-G-A.
Other names: c.3673C>T, p.Gln1225Ter (NM_000296.4); short protein forms Q1225*.
Identifiers: ClinVar variation 5000055 (VCV005000055.1).
Genomic context (GRCh38, chr16:2,111,494, plus strand): 5'-AGGTCCACGTGATGTTGTCGCCCGTCTGCACCGCGGCGCTGACCACCACGGGGGCGCCCT[G>A]CTCCACGGCCAGGCTCATGTCCACGCTGAGTCCGCGGAGCTCCTCAAAGACGCGCACATC-3'

ClinVar aggregate classification (germline): Likely pathogenic (1 of 4 stars; one submission).

Conditions:
PKD1-related disorder. Also called: PKD1-related condition.

Submission:

PreventionGenetics, part of Exact Sciences
Classification: Likely pathogenic for PKD1-related condition. Last evaluated: 2025-05-05. Review status: criteria provided, single submitter. Criteria: ACMG Guidelines, 2015. Collection method: clinical testing. Allele origin: germline.
Comment: The PKD1 c.3673C>T variant is predicted to result in premature protein termination (p.Gln1225*). This variant was reported in an individual with polycystic kidney disease (Qiu et al. 2019. PubMed ID: 31030424). This variant has not been reported in a large population database (gnomAD), indicating this variant is rare. Nonsense variants in PKD1 are expected to be pathogenic. This variant is interpreted as likely pathogenic.